The following is an entry in ClinVar:

NC_000014.8:g.(?_36986483)_(37489008_?)del

Genes: NKX2-1 (NK2 homeobox 1; minus strand), NKX2-8 (NK2 homeobox 8; minus strand), PAX9 (paired box 9; plus strand), SLC25A21 (solute carrier family 25 member 21; minus strand). Cytogenetic location: 14q13.3.
Variant type: Deletion.
Identifiers: ClinVar variation 3244062 (VCV003244062.1).

ClinVar aggregate classification (germline): Pathogenic (1 of 4 stars; one submission).

Submission:

Labcorp Genetics (formerly Invitae), Labcorp
Classification: Pathogenic. Last evaluated: 2023-02-20. Review status: criteria provided, single submitter. Criteria: Invitae Variant Classification Sherloc (09022015). Collection method: clinical testing. Allele origin: unknown.
Comment: A gross deletion of the genomic region encompassing the full coding sequence of the NKX2-1 gene has been identified. Loss-of-function variants in NKX2-1 are known to be pathogenic (PMID: 23430038, 24714694). The boundaries of this event are unknown as they extend beyond the assayed region for this gene and therefore may encompass additional genes. A similar copy number variant has been observed in individuals with NKX2-1-related conditions (PMID: 11971878, 19336474, 23430038). For these reasons, this variant has been classified as Pathogenic.

Literature cited by the submitters: PubMed 23430038; PubMed 24714694; PubMed 11971878; PubMed 19336474.